The following is an entry in ClinVar:

NM_138459.5(NUS1):c.130G>A (p.Ala44Thr)

Gene: NUS1 (NUS1 dehydrodolichyl diphosphate synthase subunit; plus strand). Cytogenetic location: 6q22.1.
Variant type: single nucleotide variant.
Coding change: c.130G>A on transcript NM_138459.5 (MANE Select); coding-DNA position 130, G replaced by A.
Protein change: p.Ala44Thr; replaces alanine 44 with threonine.
Molecular consequence: missense variant.
Genome position (GRCh38, 1-based): chr6:117,675,800, G>A. VCF-style: chr6-117675800-G-A. GRCh37 (hg19) VCF-style: chr6-117996963-G-A.
Other names: short protein forms A44T.
Identifiers: ClinVar variation 1720510 (VCV001720510.6), dbSNP rs1039640812, ClinGen allele CA146431381.
Genomic context (GRCh38, chr6:117,675,800, plus strand): 5'-TCCTGGCTCCGCGTTCGGTTCGGCACCTGGAACTGGATCTGGCGGCGCTGCTGCCGCGCC[G>A]CCTCTGCCGCGGTCCTAGCGCCGCTCGGCTTCACGCTCCGCAAGCCCCCGGCAGTCGGCA-3'
Protein context (NP_612468.1, residues 34-54): NWIWRRCCRA[Ala44Thr]SAAVLAPLGF

ClinVar aggregate classification (germline): Uncertain significance. Review status: criteria provided, multiple submitters, no conflicts (2 of 4 stars). 2 submissions from 2 submitters: Uncertain significance (2). Last evaluated 2026-05-11.

Conditions:
Congenital disorder of glycosylation, type Iaa. Also called: Congenital disorder of glycosylation, type 1aa. Identifiers: MedGen C4310727, MONDO:0014904, OMIM 617082.

Allele frequency attached by ClinVar (database versions not stated): gnomAD 0.00002; TOPMed 0.00003.

Submissions (2):

Women's Health and Genetics/Laboratory Corporation of America, LabCorp
Classification: Uncertain significance. Last evaluated: 2026-05-11. Review status: criteria provided, single submitter. Criteria: LabCorp Variant Classification Summary - May 2015. Collection method: clinical testing. Allele origin: germline.
Comment: Variant summary: NUS1 c.130G>A (p.Ala44Thr) results in a non-conservative amino acid change in the encoded protein sequence. Algorithms developed to predict the effect of missense changes on protein structure and function are either unavailable or do not agree on the potential impact of this missense change. The variant was absent in 155838 control chromosomes. The available data on variant occurrences in the general population are insufficient to allow any conclusion about variant significance. To our knowledge, no occurrence of c.130G>A in individuals affected with NUS1-related conditions and no experimental evidence demonstrating its impact on protein function have been reported. ClinVar contains an entry for this variant (Variation ID: 1720510). Based on the evidence outlined above, the variant was classified as uncertain significance.

Labcorp Genetics (formerly Invitae), Labcorp
Classification: Uncertain significance for Congenital disorder of glycosylation, type Iaa. Last evaluated: 2025-03-23. Review status: criteria provided, single submitter. Criteria: Invitae Variant Classification Sherloc (09022015). Collection method: clinical testing. Allele origin: germline.
Comment: This sequence change replaces alanine, which is neutral and non-polar, with threonine, which is neutral and polar, at codon 44 of the NUS1 protein (p.Ala44Thr). This variant is not present in population databases (gnomAD no frequency). This variant has not been reported in the literature in individuals affected with NUS1-related conditions. ClinVar contains an entry for this variant (Variation ID: 1720510). An algorithm developed to predict the effect of missense changes on protein structure and function (PolyPhen-2) suggests that this variant is likely to be disruptive. In summary, the available evidence is currently insufficient to determine the role of this variant in disease. Therefore, it has been classified as a Variant of Uncertain Significance.